The following is an entry in ClinVar:

ClinVar aggregate classification (germline): Uncertain significance (1 of 4 stars; one submission).

Conditions:
Tuberous sclerosis 2 (TSC2). Identifiers: Orphanet 805, MedGen C1860707, MONDO:0013199, OMIM 613254.

Submission:

Labcorp Genetics (formerly Invitae), Labcorp
Classification: Uncertain significance for Tuberous sclerosis 2. Last evaluated: 2024-05-21. Review status: criteria provided, single submitter. Criteria: Invitae Variant Classification Sherloc (09022015). Collection method: clinical testing. Allele origin: germline.
Comment: This sequence change replaces aspartic acid, which is acidic and polar, with asparagine, which is neutral and polar, at codon 1603 of the TSC2 protein (p.Asp1603Asn). This variant is not present in population databases (gnomAD no frequency). This variant has not been reported in the literature in individuals affected with TSC2-related conditions. Advanced modeling of protein sequence and biophysical properties (such as structural, functional, and spatial information, amino acid conservation, physicochemical variation, residue mobility, and thermodynamic stability) performed at Invitae indicates that this missense variant is not expected to disrupt TSC2 protein function with a negative predictive value of 95%. This variant disrupts the p.Asp1603 amino acid residue in TSC2. Other variant(s) that disrupt this residue have been observed in individuals with TSC2-related conditions (PMID: 29432982, 29778030), which suggests that this may be a clinically significant amino acid residue. In summary, the available evidence is currently insufficient to determine the role of this variant in disease. Therefore, it has been classified as a Variant of Uncertain Significance.

Literature cited by the submitters: PubMed 29432982; PubMed 29778030.

NM_000548.5(TSC2):c.4807G>A (p.Asp1603Asn)

Gene: TSC2 (TSC complex subunit 2; plus strand). Cytogenetic location: 16p13.3.
Variant type: single nucleotide variant.
Coding change: c.4807G>A on transcript NM_000548.5 (MANE Select); coding-DNA position 4807, G replaced by A.
Protein change: p.Asp1603Asn; replaces aspartic acid 1603 with asparagine.
Molecular consequence: missense variant. On other transcripts: non-coding transcript variant (5).
Genome position (GRCh38, 1-based): chr16:2,086,337, G>A. VCF-style: chr16-2086337-G-A. GRCh37 (hg19) VCF-style: chr16-2136338-G-A.
Other names: c.3265G>A, p.Asp1089Asn (NM_001406692.1, NM_001406693.1, NM_001406694.1); c.3262G>A, p.Asp1088Asn (NM_001406695.1, NM_001406696.1, NM_001406697.1); c.3004G>A, p.Asp1002Asn (NM_001406698.1); c.4678G>A, p.Asp1560Asn (NM_021055.3, NM_001370405.1); c.4009G>A, p.Asp1337Asn (NM_001406685.1, NM_001406686.1); c.4006G>A, p.Asp1336Asn (NM_001406687.1, NM_001406688.1); c.3394G>A, p.Asp1132Asn (NM_001406689.1); c.3334G>A, p.Asp1112Asn (NM_001406690.1); and 26 more; short protein forms D1112N, D1336N, D1383N, D1403N, D1517N, D1577N, D1579N, D1580N.
Identifiers: ClinVar variation 3637250 (VCV003637250.2).